The following is an entry in ClinVar:

NM_000295.5(SERPINA1):c.1074T>A (p.His358Gln)

Gene: SERPINA1 (serpin family A member 1; minus strand). Cytogenetic location: 14q32.13.
Variant type: single nucleotide variant.
Coding change: c.1074T>A on transcript NM_000295.5 (MANE Select); coding-DNA position 1074, T replaced by A.
Protein change: p.His358Gln; replaces histidine 358 with glutamine.
Molecular consequence: missense variant.
Genome position (GRCh38, 1-based): chr14:94,378,632, A>T on the plus strand (T>A on the coding strand, the complement: SERPINA1 is on the minus strand). VCF-style: chr14-94378632-A-T. GRCh37 (hg19) VCF-style: chr14-94844969-A-T.
Other names: c.1074T>A, p.His358Gln (NM_001002235.3, NM_001002236.3, NM_001127700.2 and 7 more transcripts); short protein forms H358Q.
Identifiers: ClinVar variation 3339337 (VCV003339337.1).

ClinVar aggregate classification (germline): Uncertain significance (1 of 4 stars; one submission).

Submission:

Women's Health and Genetics/Laboratory Corporation of America, LabCorp
Classification: Uncertain significance. Last evaluated: 2024-07-24. Review status: criteria provided, single submitter. Criteria: LabCorp Variant Classification Summary - May 2015. Collection method: clinical testing. Allele origin: germline.
Comment: Variant summary: SERPINA1 c.1074T>A (p.His358Gln) results in a non-conservative amino acid change located in the Serpin domain (IPR023796) of the encoded protein sequence. Five of five in-silico tools predict a damaging effect of the variant on protein function. The variant was absent in 251256 control chromosomes. The available data on variant occurrences in the general population are insufficient to allow any conclusion about variant significance. c.1074T>A has been reported in the literature as compound heterozygous or homozygous genotype in individuals without pressentation of clinical features of Alpha-1-Antitrypsin Deficiency (Renoux_2018). These report(s) do not provide unequivocal conclusions about association of the variant with Alpha-1-Antitrypsin Deficiency. To our knowledge, no experimental evidence demonstrating an impact on protein function has been reported. The following publication have been ascertained in the context of this evaluation (PMID: 30223862). No submitters have cited clinical-significance assessments for this variant to ClinVar. Based on the evidence outlined above, the variant was classified as uncertain significance.

Literature cited by the submitters: PubMed 30223862.